The following is an entry in ClinVar:

ClinVar aggregate classification (germline): Uncertain significance (1 of 4 stars; one submission).

Allele frequency attached by ClinVar (database versions not stated): gnomAD exomes 0.00001.
gnomAD v4.1: 10 of 1,571,574 alleles (0.00064%); highest among the groups gnomAD compares: Admixed American, 0.0018%; no homozygotes.

Submission:

Labcorp Genetics (formerly Invitae), Labcorp
Classification: Uncertain significance. Last evaluated: 2022-02-20. Review status: criteria provided, single submitter. Criteria: Invitae Variant Classification Sherloc (09022015). Collection method: clinical testing. Allele origin: germline.
Comment: The frequency data for this variant in the population databases is considered unreliable, as metrics indicate poor data quality at this position in the gnomAD database. In summary, the available evidence is currently insufficient to determine the role of this variant in disease. Therefore, it has been classified as a Variant of Uncertain Significance. Algorithms developed to predict the effect of missense changes on protein structure and function are either unavailable or do not agree on the potential impact of this missense change (SIFT: "Deleterious"; PolyPhen-2: "Probably Damaging"; Align-GVGD: "Class C0"). This variant has not been reported in the literature in individuals affected with SIX5-related conditions. This sequence change replaces proline, which is neutral and non-polar, with serine, which is neutral and polar, at codon 388 of the SIX5 protein (p.Pro388Ser).

NM_175875.5(SIX5):c.1162C>T (p.Pro388Ser)

Genes: SIX5 (SIX homeobox 5; minus strand), LOC107075317 (origin of replication in DMPK trinucleotide repeat region; plus strand). Cytogenetic location: 19q13.32.
Variant type: single nucleotide variant.
Coding change: c.1162C>T on transcript NM_175875.5 (MANE Select); coding-DNA position 1162, C replaced by T.
Protein change: p.Pro388Ser; replaces proline 388 with serine.
Molecular consequence: missense variant.
Genome position (GRCh38, 1-based): chr19:45,766,797, G>A on the plus strand (C>T on the coding strand, the complement: SIX5 is on the minus strand). VCF-style: chr19-45766797-G-A. GRCh37 (hg19) VCF-style: chr19-46270055-G-A.
Other names: short protein forms P388S.
Identifiers: ClinVar variation 2065651 (VCV002065651.4), dbSNP rs1221704895, ClinGen allele CA406419217.